The following is an entry in ClinVar:

ClinVar aggregate classification (germline): Uncertain significance (1 of 4 stars; one submission).

Conditions:
Congenital factor V deficiency. Also called: LABILE FACTOR DEFICIENCY; OWREN PARAHEMOPHILIA; PARAHEMOPHILIA; Hereditary factor V deficiency disease. Identifiers: Orphanet 326, MedGen C0015499, MONDO:0009210, OMIM 227400.

gnomAD v4.1: 2 of 1,613,766 alleles (0.00012%); highest among the groups gnomAD compares: Admixed American, 0.0033%; no homozygotes.

Submission:

Labcorp Genetics (formerly Invitae), Labcorp
Classification: Uncertain significance for Congenital factor V deficiency. Last evaluated: 2024-06-22. Review status: criteria provided, single submitter. Criteria: Invitae Variant Classification Sherloc (09022015). Collection method: clinical testing. Allele origin: germline.
Comment: This sequence change replaces aspartic acid, which is acidic and polar, with glycine, which is neutral and non-polar, at codon 157 of the F5 protein (p.Asp157Gly). This variant is present in population databases (no rsID available, gnomAD 0.003%). This variant has not been reported in the literature in individuals affected with F5-related conditions. Advanced modeling of protein sequence and biophysical properties (such as structural, functional, and spatial information, amino acid conservation, physicochemical variation, residue mobility, and thermodynamic stability) performed at Invitae indicates that this missense variant is expected to disrupt F5 protein function with a positive predictive value of 80%. In summary, the available evidence is currently insufficient to determine the role of this variant in disease. Therefore, it has been classified as a Variant of Uncertain Significance.

NM_000130.5(F5):c.470A>G (p.Asp157Gly)

Gene: F5 (coagulation factor V; minus strand). Cytogenetic location: 1q24.2.
Variant type: single nucleotide variant.
Coding change: c.470A>G on transcript NM_000130.5 (MANE Select); coding-DNA position 470, A replaced by G.
Protein change: p.Asp157Gly; replaces aspartic acid 157 with glycine.
Molecular consequence: missense variant.
Genome position (GRCh38, 1-based): chr1:169,560,670, T>C on the plus strand (A>G on the coding strand, the complement: F5 is on the minus strand). VCF-style: chr1-169560670-T-C. GRCh37 (hg19) VCF-style: chr1-169529908-T-C.
Other names: short protein forms D157G.
Identifiers: ClinVar variation 3635952 (VCV003635952.2).
Genomic context (GRCh38, chr1:169,560,670, plus strand): 5'-TTTTCATGGGAGTAATAGATGTGTGTGAGGCATGGAGGGTCATCATGGGTGGGTCCACTG[T>C]CCTCACTGATACTCCATTCATAGGTGTATTCTCGGCCTGGAGCCACAGCGTCGTCCATCT-3'
Protein context (NP_000121.2, residues 147-167): EYTYEWSISE[Asp157Gly]SGPTHDDPPC